The following is an entry in ClinVar:

ClinVar aggregate classification (germline): Uncertain significance (1 of 4 stars; one submission).

Submission:

Ambry Genetics
Classification: Uncertain significance. Last evaluated: 2023-11-04. Review status: criteria provided, single submitter. Criteria: Ambry Variant Classification Scheme 2023. Collection method: clinical testing. Allele origin: germline.
Comment: The p.I44T variant (also known as c.131T>C), located in coding exon 1 of the RASA2 gene, results from a T to C substitution at nucleotide position 131. The isoleucine at codon 44 is replaced by threonine, an amino acid with similar properties. This amino acid position is conserved. In addition, the in silico prediction for this alteration is inconclusive. Since supporting evidence is limited at this time, the clinical significance of this alteration remains unclear.

NM_006506.5(RASA2):c.131T>C (p.Ile44Thr)

Genes: RASA2 (RAS p21 protein activator 2; plus strand), LOC129937686 (ATAC-STARR-seq lymphoblastoid silent region 14777; plus strand). Cytogenetic location: 3q23.
Variant type: single nucleotide variant.
Coding change: c.131T>C on transcript NM_006506.5 (MANE Select); coding-DNA position 131, T replaced by C.
Protein change: p.Ile44Thr; replaces isoleucine 44 with threonine.
Molecular consequence: missense variant.
Genome position (GRCh38, 1-based): chr3:141,487,214, T>C. VCF-style: chr3-141487214-T-C. GRCh37 (hg19) VCF-style: chr3-141206056-T-C.
Other names: c.131T>C, p.Ile44Thr (NM_001303245.3, NM_001303246.3); short protein forms I44T.
Identifiers: ClinVar variation 3225601 (VCV003225601.1), dbSNP rs2478326245, ClinGen allele CA354774240.